The following is an entry in ClinVar:

NM_000135.4(FANCA):c.1292dup (p.Leu432fs)

Gene: FANCA (FA complementation group A; minus strand). Cytogenetic location: 16q24.3.
Variant type: Duplication.
Coding change: c.1292dup on transcript NM_000135.4 (MANE Select); coding-DNA position 1292, one base duplicated (T; older notation c.1292dupT).
Protein change: p.Leu432fs; shifts the reading frame from leucine 432.
Molecular consequence: frameshift variant.
Genome position (GRCh38, 1-based): chr16:89,791,470, A duplicated on the plus strand (T on the coding strand, the reverse complement: FANCA is on the minus strand); the first of 2 consecutive A bases (chr16:89,791,470-89,791,471); duplicating either gives the same sequence. VCF-style (leftmost placement, unchanged base first): chr16-89791469-G-GA. GRCh37 (hg19) VCF-style: chr16-89857877-G-GA.
Other names: c.1292dup (NM_000135.3); c.1292dup, p.Leu432fs (NM_001286167.3); c.1292dupT (NM_000135.3); short protein forms L432fs.
Identifiers: ClinVar variation 974012 (VCV000974012.12), dbSNP rs1416639878, ClinGen allele CA725761159.

ClinVar aggregate classification (germline): Pathogenic/Likely pathogenic. Review status: criteria provided, multiple submitters, no conflicts (2 of 4 stars). 7 submissions from 7 submitters: Pathogenic (2); Likely pathogenic (4). 1 of the submissions does not count toward it. Last evaluated 2025-07-13.

Conditions:
Fanconi anemia (FA). Also called: Fanconi's anemia. Identifiers: Orphanet 84, MedGen C0015625, MeSH D005199, MONDO:0019391.
Fanconi anemia complementation group A (FANCA). Also called: Fanconi anemia, group A; FANCA-Related Fanconi Anemia. Identifiers: Orphanet 84, MedGen C3469521, MONDO:0009215, OMIM 227650.

Submissions (7):

Labcorp Genetics (formerly Invitae), Labcorp
Classification: Pathogenic for Fanconi anemia. Last evaluated: 2025-07-13. Review status: criteria provided, single submitter. Criteria: Invitae Variant Classification Sherloc (09022015). Collection method: clinical testing. Allele origin: germline.
Comment: This sequence change creates a premature translational stop signal (p.Leu432Profs*53) in the FANCA gene. It is expected to result in an absent or disrupted protein product. Loss-of-function variants in FANCA are known to be pathogenic (PMID: 19367192). This variant is not present in population databases (gnomAD no frequency). This variant has not been reported in the literature in individuals affected with FANCA-related conditions. ClinVar contains an entry for this variant (Variation ID: 974012). Algorithms developed to predict the effect of sequence changes on RNA splicing suggest that this variant may disrupt the consensus splice site. For these reasons, this variant has been classified as Pathogenic.

GeneDx
Classification: Pathogenic. Last evaluated: 2024-12-04. Review status: criteria provided, single submitter. Criteria: GeneDx Variant Classification Process June 2021. Collection method: clinical testing. Allele origin: germline. Affected: yes.
Comment: Frameshift variant predicted to result in protein truncation or nonsense mediated decay in a gene for which loss of function is a known mechanism of disease; Not observed at significant frequency in large population cohorts (gnomAD); Has not been previously published as pathogenic or benign to our knowledge

Natera, Inc.
Classification: Likely pathogenic for Fanconi anemia. Last evaluated: 2024-09-30. Review status: criteria provided, single submitter. Criteria: Natera Variant Classification Schema (03/2026). Collection method: clinical testing. Allele origin: germline.
Comment: The c.1292dupT variant in FANCA is a frameshift variant predicted to shift the reading frame beginning at codon 432 and leads to a stop codon 53 codons downstream. This variant is expected to result in nonsense mediated decay, truncation, or a dysfunctional protein product. This variant is rare in the general population with a frequency below the threshold expected for the associated phenotype(s). Given the available evidence, this variant is classified as Likely Pathogenic.

Quest Diagnostics Nichols Institute San Juan Capistrano
Classification: Likely pathogenic. Last evaluated: 2024-08-02. Review status: criteria provided, single submitter. Criteria: Quest Diagnostics criteria. Collection method: clinical testing. Allele origin: unknown.
Comment: The FANCA c.1292dup (p.Leu432Profs*53) variant alters the translational reading frame of the FANCA mRNA and is predicted to cause the premature termination of FANCA protein synthesis. This variant has not been reported in individuals with FANCA-related conditions in the published literature. The frequency of this variant in the general population, 0.0000066 (1/152174 chromosomes (Genome Aggregation Database)), is consistent with pathogenicity. Based on the available information, this variant is classified as likely pathogenic.

Baylor Genetics
Classification: Likely pathogenic for Fanconi anemia complementation group A. Last evaluated: 2024-02-22. Review status: criteria provided, single submitter. Criteria: ACMG Guidelines, 2015. Collection method: clinical testing. Allele origin: unknown.

Fulgent Genetics
Classification: Likely pathogenic for Fanconi anemia complementation group A. Last evaluated: 2021-10-21. Review status: criteria provided, single submitter. Criteria: ACMG Guidelines, 2015. Collection method: clinical testing. Allele origin: unknown.

Leiden Open Variation Database
Classification: Uncertain significance for Fanconi anemia complementation group A. Last evaluated: 2020-02-28. Review status: no assertion criteria provided. Collection method: curation. Allele origin: germline. Affected: yes. Not counted in ClinVar's aggregate classification.
Comment: Curator: Arleen D. Auerbach. Submitter to LOVD: Arleen D. Auerbach.

Literature cited by the submitters: PubMed 19367192 (cited by Labcorp Genetics (formerly Invitae), Labcorp).